The following is an entry in ClinVar:

ClinVar aggregate classification (germline): Benign (3 of 4 stars; one submission).

Conditions:
Breast-ovarian cancer, familial, susceptibility to, 2 (BROVCA2). Also called: BRCA2 Hereditary Breast and Ovarian Cancer. Identifiers: Orphanet 145, MedGen C2675520, MONDO:0012933, OMIM 612555. Disease mechanism: loss of function.

Allele frequency attached by ClinVar (database versions not stated): gnomAD 0.00003 and 0.00076; TOPMed 0.00013; 1000 Genomes Project 0.00459; 1000 Genomes Project 30x 0.00468.
gnomAD v4.1: 115 of 152,268 alleles (0.076%); highest among the groups gnomAD compares: South Asian, 2.3%; 5 homozygotes.

Submission:

Evidence-based Network for the Interpretation of Germline Mutant Alleles (ENIGMA)
Classification: Benign for Breast-ovarian cancer, familial, susceptibility to, 2. Last evaluated: 2016-09-28. Review status: reviewed by expert panel. Criteria: ENIGMA BRCA1/2 Classification Criteria (2015). Collection method: curation. Allele origin: germline.
Comment: Class 1 not pathogenic based on frequency >1% in an outbred sampleset. Frequency 0.0235 (South Asian), derived from 1000 genomes (2013-05-02).

NM_000059.4(BRCA2):c.6841+1599C>T

Gene: BRCA2 (BRCA2 DNA repair associated; plus strand). Cytogenetic location: 13q13.1.
Variant type: single nucleotide variant.
Coding change: c.6841+1599C>T on transcript NM_000059.4 (MANE Select); 1599 bases into the intron after coding-DNA position 6841, C replaced by T.
Molecular consequence: intron variant.
Genome position (GRCh38, 1-based): chr13:32,342,795, C>T. VCF-style: chr13-32342795-C-T. GRCh37 (hg19) VCF-style: chr13-32916932-C-T.
Identifiers: ClinVar variation 264898 (VCV000264898.1), dbSNP rs569238800, ClinGen allele CA10588096.